The following is an entry in ClinVar:

ClinVar aggregate classification (germline): Uncertain significance (1 of 4 stars; one submission).

Conditions:
Hereditary cancer-predisposing syndrome. Also called: Neoplastic Syndromes, Hereditary; Tumor predisposition; Hereditary neoplastic syndrome; Hereditary Cancer Syndrome. Identifiers: Orphanet 140162, MedGen C0027672, MeSH D009386, MONDO:0015356.

Submission:

Ambry Genetics
Classification: Uncertain significance for Hereditary cancer-predisposing syndrome. Last evaluated: 2024-01-05. Review status: criteria provided, single submitter. Criteria: Ambry Variant Classification Scheme 2023. Collection method: clinical testing. Allele origin: germline.
Comment: The p.P3300L variant (also known as c.9899C>T), located in coding exon 26 of the BRCA2 gene, results from a C to T substitution at nucleotide position 9899. The proline at codon 3300 is replaced by leucine, an amino acid with similar properties. This amino acid position is highly conserved in available vertebrate species. In addition, this alteration is predicted to be tolerated by in silico analysis. Since supporting evidence is limited at this time, the clinical significance of this alteration remains unclear.

NM_000059.4(BRCA2):c.9899C>T (p.Pro3300Leu)

Gene: BRCA2 (BRCA2 DNA repair associated; plus strand). Cytogenetic location: 13q13.1.
Variant type: single nucleotide variant.
Coding change: c.9899C>T on transcript NM_000059.4 (MANE Select); coding-DNA position 9899, C replaced by T.
Protein change: p.Pro3300Leu; replaces proline 3300 with leucine.
Molecular consequence: missense variant. On other transcripts: non-coding transcript variant (1).
Genome position (GRCh38, 1-based): chr13:32,398,412, C>T. VCF-style: chr13-32398412-C-T. GRCh37 (hg19) VCF-style: chr13-32972549-C-T.
Other names: c.9803C>T, p.Pro3268Leu (NM_001406719.1); c.9848C>T, p.Pro3283Leu (NM_001406720.1); c.4967C>T, p.Pro1656Leu (NM_001406721.1); c.3482C>T, p.Pro1161Leu (NM_001406722.1); short protein forms P1161L, P1656L, P3268L, P3283L, P3300L.
Identifiers: ClinVar variation 3230221 (VCV003230221.1), dbSNP rs544677125, ClinGen allele CA387766910.